The following is an entry in ClinVar:

ClinVar aggregate classification (germline): Uncertain significance (1 of 4 stars; one submission).

Conditions:
Bardet-Biedl syndrome 3 (BBS3). Identifiers: Orphanet 110, MedGen C1859564, MONDO:0010832, OMIM 600151.
Retinitis pigmentosa 55 (RP55). Identifiers: Orphanet 791, MedGen C3150808, MONDO:0013312, OMIM 613575.

Allele frequency attached by ClinVar (database versions not stated): gnomAD exomes below 0.00001.
gnomAD v4.1: 1 of 1,613,008 alleles (0.000062%); highest among the groups gnomAD compares: Non-Finnish European, 0.000085%; no homozygotes.

Submission:

Labcorp Genetics (formerly Invitae), Labcorp
Classification: Uncertain significance for Retinitis pigmentosa 55; Bardet-Biedl syndrome 3. Last evaluated: 2025-10-01. Review status: criteria provided, single submitter. Criteria: Invitae Variant Classification Sherloc (09022015). Collection method: clinical testing. Allele origin: germline.
Comment: This sequence change replaces alanine, which is neutral and non-polar, with valine, which is neutral and non-polar, at codon 129 of the ARL6 protein (p.Ala129Val). This variant is not present in population databases (gnomAD no frequency). This variant has not been reported in the literature in individuals affected with ARL6-related conditions. ClinVar contains an entry for this variant (Variation ID: 1963369). An algorithm developed to predict the effect of missense changes on protein structure and function (PolyPhen-2) suggests that this variant is likely to be disruptive. In summary, the available evidence is currently insufficient to determine the role of this variant in disease. Therefore, it has been classified as a Variant of Uncertain Significance.

NM_001278293.3(ARL6):c.386C>T (p.Ala129Val)

Gene: ARL6 (ARF like GTPase 6; plus strand). Cytogenetic location: 3q11.2.
Variant type: single nucleotide variant.
Coding change: c.386C>T on transcript NM_001278293.3 (MANE Select); coding-DNA position 386, C replaced by T.
Protein change: p.Ala129Val; replaces alanine 129 with valine.
Molecular consequence: missense variant. On other transcripts: non-coding transcript variant (7).
Genome position (GRCh38, 1-based): chr3:97,788,026, C>T. VCF-style: chr3-97788026-C-T. GRCh37 (hg19) VCF-style: chr3-97506870-C-T.
Other names: c.386C>T, p.Ala129Val (NM_001323513.2, NM_001323514.2, NM_032146.5 and 1 more transcripts); short protein forms A129V.
Identifiers: ClinVar variation 1963369 (VCV001963369.5), dbSNP rs2529973655, ClinGen allele CA353588090.